The following is an entry in ClinVar:

NM_005585.5(SMAD6):c.1481A>C (p.Asn494Thr)

Gene: SMAD6 (SMAD family member 6; plus strand). Cytogenetic location: 15q22.31.
Variant type: single nucleotide variant.
Coding change: c.1481A>C on transcript NM_005585.5 (MANE Select); coding-DNA position 1481, A replaced by C.
Protein change: p.Asn494Thr; replaces asparagine 494 with threonine.
Molecular consequence: missense variant. On other transcripts: non-coding transcript variant (1).
Genome position (GRCh38, 1-based): chr15:66,781,525, A>C. VCF-style: chr15-66781525-A-C. GRCh37 (hg19) VCF-style: chr15-67073863-A-C.
Other names: short protein forms N494T.
Identifiers: ClinVar variation 2778119 (VCV002778119.3), dbSNP rs1295379369, ClinGen allele CA393202632.

ClinVar aggregate classification (germline): Uncertain significance (1 of 4 stars; one submission).

Conditions:
Aortic valve disease 2 (AOVD2). Identifiers: MedGen C3542024, MONDO:0013902, OMIM 614823.

Submission:

Labcorp Genetics (formerly Invitae), Labcorp
Classification: Uncertain significance for Aortic valve disease 2. Last evaluated: 2023-03-20. Review status: criteria provided, single submitter. Criteria: Invitae Variant Classification Sherloc (09022015). Collection method: clinical testing. Allele origin: germline.
Comment: In summary, the available evidence is currently insufficient to determine the role of this variant in disease. Therefore, it has been classified as a Variant of Uncertain Significance. Advanced modeling of protein sequence and biophysical properties (such as structural, functional, and spatial information, amino acid conservation, physicochemical variation, residue mobility, and thermodynamic stability) performed at Invitae indicates that this missense variant is not expected to disrupt SMAD6 protein function. This variant has not been reported in the literature in individuals affected with SMAD6-related conditions. The frequency data for this variant in the population databases is considered unreliable, as metrics indicate poor data quality at this position in the gnomAD database. This sequence change replaces asparagine, which is neutral and polar, with threonine, which is neutral and polar, at codon 494 of the SMAD6 protein (p.Asn494Thr).